The following is an entry in ClinVar:

NM_000666.3(ACY1):c.1047C>A (p.Asn349Lys)

Genes: ABHD14A-ACY1 (ABHD14A-ACY1 readthrough; plus strand), ACY1 (aminoacylase 1; plus strand). Cytogenetic location: 3p21.2.
Variant type: single nucleotide variant.
Coding change: c.1047C>A on transcript NM_000666.3 (MANE Select); coding-DNA position 1047, C replaced by A.
Protein change: p.Asn349Lys; replaces asparagine 349 with lysine.
Molecular consequence: missense variant.
Genome position (GRCh38, 1-based): chr3:51,988,811, C>A. VCF-style: chr3-51988811-C-A. GRCh37 (hg19) VCF-style: chr3-52022827-C-A.
Other names: c.1317C>A, p.Asn439Lys (NM_001316331.2); c.1047C>A, p.Asn349Lys (NM_001198895.2); c.831C>A, p.Asn277Lys (NM_001198896.2); c.852C>A, p.Asn284Lys (NM_001198897.2); c.942C>A, p.Asn314Lys (NM_001198898.2); short protein forms N439K, N284K, N314K, N277K, N349K.
Identifiers: ClinVar variation 1518270 (VCV001518270.6), dbSNP rs1426965149, ClinGen allele CA353094037.

ClinVar aggregate classification (germline): Uncertain significance (1 of 4 stars; one submission).

Allele frequency attached by ClinVar (database versions not stated): gnomAD 0.00001; TOPMed 0.00002.
gnomAD v4.1: 8 of 1,614,110 alleles (0.0005%); highest among the groups gnomAD compares: African/African-American, 0.0013%; no homozygotes.

Submission:

Labcorp Genetics (formerly Invitae), Labcorp
Classification: Uncertain significance. Last evaluated: 2023-08-10. Review status: criteria provided, single submitter. Criteria: Invitae Variant Classification Sherloc (09022015). Collection method: clinical testing. Allele origin: germline.
Comment: In summary, the available evidence is currently insufficient to determine the role of this variant in disease. Therefore, it has been classified as a Variant of Uncertain Significance. Advanced modeling of protein sequence and biophysical properties (such as structural, functional, and spatial information, amino acid conservation, physicochemical variation, residue mobility, and thermodynamic stability) performed at Invitae indicates that this missense variant is not expected to disrupt ACY1 protein function. ClinVar contains an entry for this variant (Variation ID: 1518270). This variant has not been reported in the literature in individuals affected with ACY1-related conditions. This variant is present in population databases (no rsID available, gnomAD 0.01%). This sequence change replaces asparagine, which is neutral and polar, with lysine, which is basic and polar, at codon 349 of the ACY1 protein (p.Asn349Lys).